The following is an entry in ClinVar:

ClinVar aggregate classification (germline): Uncertain significance (1 of 4 stars; one submission).

Conditions:
Cardiovascular phenotype. Identifiers: MedGen CN230736.

gnomAD v4.1: 1 of 1,614,070 alleles (0.000062%); highest among the groups gnomAD compares: Admixed American, 0.0017%; no homozygotes.

Submission:

Ambry Genetics
Classification: Uncertain significance for Cardiovascular phenotype. Last evaluated: 2026-06-12. Review status: criteria provided, single submitter. Criteria: Ambry Variant Classification Scheme 2023. Collection method: clinical testing. Allele origin: germline.
Comment: The p.D3478E variant (also known as c.10434C>A), located in coding exon 26 of the APOB gene, results from a C to A substitution at nucleotide position 10434. The aspartic acid at codon 3478 is replaced by glutamic acid, an amino acid with highly similar properties. This amino acid position is conserved. In addition, this alteration is predicted to be tolerated by in silico analysis. Based on the available evidence, the clinical significance of this variant remains unclear.

NM_000384.3(APOB):c.10434C>A (p.Asp3478Glu)

Gene: APOB (apolipoprotein B; minus strand). Cytogenetic location: 2p24.1.
Variant type: single nucleotide variant.
Coding change: c.10434C>A on transcript NM_000384.3 (MANE Select); coding-DNA position 10434, C replaced by A.
Protein change: p.Asp3478Glu; replaces aspartic acid 3478 with glutamic acid.
Molecular consequence: missense variant.
Genome position (GRCh38, 1-based): chr2:21,006,434, G>T on the plus strand (C>A on the coding strand, the complement: APOB is on the minus strand). VCF-style: chr2-21006434-G-T. GRCh37 (hg19) VCF-style: chr2-21229306-G-T.
Other names: short protein forms D3478E.
Identifiers: ClinVar variation 4862771 (VCV004862771.1).